The following is an entry in ClinVar:

ClinVar aggregate classification (germline): Uncertain significance. Review status: criteria provided, multiple submitters, no conflicts (2 of 4 stars). 2 submissions from 2 submitters: Uncertain significance (2). Last evaluated 2023-12-11.

Conditions:
DiGeorge syndrome. Also called: THIRD AND FOURTH PHARYNGEAL POUCH SYNDROME; Catch22. Identifiers: Orphanet 567, MedGen C0012236, MONDO:0008564, OMIM 188400.

Allele frequency attached by ClinVar (database versions not stated): gnomAD 0.00001; gnomAD exomes 0.00001 and 0.00002; ExAC 0.00003.
gnomAD v4.1: 10 of 1,612,116 alleles (0.00062%); highest among the groups gnomAD compares: Non-Finnish European, 0.00076%; no homozygotes.

Submissions (2):

Clinical Genetics Laboratory, Skane University Hospital Lund
Classification: Uncertain significance. Last evaluated: 2023-12-11. Review status: criteria provided, single submitter. Criteria: ACMG Guidelines, 2015. Collection method: clinical testing. Allele origin: germline. Affected: yes.

Labcorp Genetics (formerly Invitae), Labcorp
Classification: Uncertain significance for DiGeorge syndrome. Last evaluated: 2022-10-24. Review status: criteria provided, single submitter. Criteria: Invitae Variant Classification Sherloc (09022015). Collection method: clinical testing. Allele origin: germline.
Comment: This sequence change replaces aspartic acid, which is acidic and polar, with asparagine, which is neutral and polar, at codon 225 of the TBX1 protein (p.Asp225Asn). This variant is present in population databases (rs765827737, gnomAD 0.004%). This variant has not been reported in the literature in individuals affected with TBX1-related conditions. ClinVar contains an entry for this variant (Variation ID: 934089). Advanced modeling of protein sequence and biophysical properties (such as structural, functional, and spatial information, amino acid conservation, physicochemical variation, residue mobility, and thermodynamic stability) performed at Invitae indicates that this missense variant is not expected to disrupt TBX1 protein function. In summary, the available evidence is currently insufficient to determine the role of this variant in disease. Therefore, it has been classified as a Variant of Uncertain Significance.

NM_001379200.1(TBX1):c.700G>A (p.Asp234Asn)

Gene: TBX1 (T-box transcription factor 1; plus strand). Cytogenetic location: 22q11.21.
Variant type: single nucleotide variant.
Coding change: c.700G>A on transcript NM_001379200.1 (MANE Select); coding-DNA position 700, G replaced by A.
Protein change: p.Asp234Asn; replaces aspartic acid 234 with asparagine.
Molecular consequence: missense variant.
Genome position (GRCh38, 1-based): chr22:19,764,315, G>A. VCF-style: chr22-19764315-G-A. GRCh37 (hg19) VCF-style: chr22-19751838-G-A.
Other names: c.673G>A, p.Asp225Asn (NM_005992.1, NM_080646.2, NM_080647.1); short protein forms D234N, D225N.
Identifiers: ClinVar variation 934089 (VCV000934089.10), dbSNP rs765827737, ClinGen allele CA10102524.